The following is an entry in ClinVar:

NM_198525.3(KIF7):c.2286C>A (p.Gly762=)

Gene: KIF7 (kinesin family member 7; minus strand). Cytogenetic location: 15q26.1.
Variant type: single nucleotide variant.
Coding change: c.2286C>A on transcript NM_198525.3 (MANE Select); coding-DNA position 2286, C replaced by A.
Protein change: p.Gly762=; no amino-acid change (glycine 762 retained).
Molecular consequence: synonymous variant.
Genome position (GRCh38, 1-based): chr15:89,642,311, G>T on the plus strand (C>A on the coding strand, the complement: KIF7 is on the minus strand). VCF-style: chr15-89642311-G-T. GRCh37 (hg19) VCF-style: chr15-90185542-G-T.
Identifiers: ClinVar variation 1568292 (VCV001568292.32), dbSNP rs779180324, ClinGen allele CA7728247.
Genomic context (GRCh38, chr15:89,642,311, plus strand): 5'-CCGAGACCGCTCGCCAGCATCCTGGAGCTCCTTGCCCTCGAGCTCCCGCAGCTGCCTCTG[G>T]CCTTCACTCAGCTCGGCCCGCACCTGCTCTGCCTCCTGCTCCAGCTCCCGGATACGCTGG-3'
Protein context (NP_940927.2, residues 752-772): AEQVRAELSE[Gly762=]QRQLRELEGK

ClinVar aggregate classification (germline): Likely benign. Review status: criteria provided, multiple submitters, no conflicts (2 of 4 stars). 3 submissions from 3 submitters: Likely benign (3). Last evaluated 2025-09-03.

Conditions:
Acrocallosal syndrome (ACLS). Also called: HALLUX DUPLICATION, POSTAXIAL POLYDACTYLY, AND ABSENCE OF CORPUS CALLOSUM; Schinzel syndrome 1; Absence of corpus callosum with unusual facial appearance, mental deficiency, duplication of the halluces and polydactyly. Identifiers: Orphanet 36, MedGen C0796147, MONDO:0008708, OMIM 200990.

Allele frequency attached by ClinVar (database versions not stated): TOPMed 0.00002; ExAC 0.00004; gnomAD exomes 0.00004; gnomAD 0.00005 and 0.00006.
gnomAD v4.1: 42 of 1,610,630 alleles (0.0026%); highest among the groups gnomAD compares: Middle Eastern, 0.035%; no homozygotes.

Submissions (3):

Labcorp Genetics (formerly Invitae), Labcorp
Classification: Likely benign for Acrocallosal syndrome. Last evaluated: 2025-09-03. Review status: criteria provided, single submitter. Criteria: Invitae Variant Classification Sherloc (09022015). Collection method: clinical testing. Allele origin: germline.

CeGaT Center for Human Genetics Tuebingen
Classification: Likely benign. Last evaluated: 2024-12-01. Review status: criteria provided, single submitter. Criteria: CeGaT Center For Human Genetics Tuebingen Variant Classification Criteria Version 2. Collection method: clinical testing. Allele origin: germline. Affected: yes. Observed: 2 variant alleles.
Comment: KIF7: BP4, BP7

Blueprint Genetics
Classification: Likely benign. Last evaluated: 2022-11-15. Review status: criteria provided, single submitter. Criteria: ACMG Guidelines, 2015. Collection method: clinical testing. Allele origin: germline.